The following is an entry in ClinVar:

NM_004444.5(EPHB4):c.2590C>T (p.Arg864Trp)

Genes: EPHB4 (EPH receptor B4; minus strand), LOC126860124 (CDK7 strongly-dependent group 2 enhancer GRCh37_chr7:100403701-100404900; plus strand). Cytogenetic location: 7q22.1.
Variant type: single nucleotide variant.
Coding change: c.2590C>T on transcript NM_004444.5 (MANE Select); coding-DNA position 2590, C replaced by T.
Protein change: p.Arg864Trp; replaces arginine 864 with tryptophan.
Molecular consequence: missense variant.
Genome position (GRCh38, 1-based): chr7:100,805,589, G>A on the plus strand (C>T on the coding strand, the complement: EPHB4 is on the minus strand). VCF-style: chr7-100805589-G-A. GRCh37 (hg19) VCF-style: chr7-100403211-G-A.
Other names: c.2590C>T (NM_004444.4); short protein forms R864W.
Identifiers: ClinVar variation 691551 (VCV000691551.19), dbSNP rs769965440, ClinGen allele CA4392607.

ClinVar aggregate classification (germline): Conflicting classifications of pathogenicity. Review status: criteria provided, conflicting classifications (1 of 4 stars). 6 submissions from 6 submitters: Pathogenic (1); Likely pathogenic (4); Uncertain significance (1). Last evaluated 2026-04-24.

Conditions:
Capillary malformation-arteriovenous malformation 2 (CMAVM2). Identifiers: Orphanet 693912, MedGen C4748670, MONDO:0020785, OMIM 618196.
Cardiovascular phenotype. Identifiers: MedGen CN230736.

Allele frequency attached by ClinVar (database versions not stated): ExAC below 0.00001.

Submissions (6):

Institute of Human Genetics, University of Leipzig Medical Center
Classification: Likely pathogenic for Capillary malformation-arteriovenous malformation 2. Last evaluated: 2026-04-24. Review status: criteria provided, single submitter. Criteria: ACMG Guidelines, 2015. Collection method: clinical testing. Allele origin: unknown. Inheritance: Autosomal dominant inheritance. Affected: yes.
Comment: Criteria applied: PS4_MOD,PS3_SUP,PM2_SUP,PM5_SUP,PP3

Labcorp Genetics (formerly Invitae), Labcorp
Classification: Likely pathogenic. Last evaluated: 2025-12-22. Review status: criteria provided, single submitter. Criteria: Invitae Variant Classification Sherloc (09022015). Collection method: clinical testing. Allele origin: germline.
Comment: This sequence change replaces arginine, which is basic and polar, with tryptophan, which is neutral and slightly polar, at codon 864 of the EPHB4 protein (p.Arg864Trp). This variant is not present in population databases (gnomAD no frequency). This missense change has been observed in individuals with capillary malformation-arteriovenous malformation (PMID: 28687708, 38353959). ClinVar contains an entry for this variant (Variation ID: 691551). Invitae Evidence Modeling of protein sequence and biophysical properties (such as structural, functional, and spatial information, amino acid conservation, physicochemical variation, residue mobility, and thermodynamic stability) indicates that this missense variant is expected to disrupt EPHB4 protein function with a positive predictive value of 95%. Studies have shown that this missense change alters EPHB4 gene expression (PMID: 28687708). In summary, the currently available evidence indicates that the variant is pathogenic, but additional data are needed to prove that conclusively. Therefore, this variant has been classified as Likely Pathogenic.

Ambry Genetics
Classification: Uncertain significance for Cardiovascular phenotype. Last evaluated: 2025-01-31. Review status: criteria provided, single submitter. Criteria: Ambry Variant Classification Scheme 2023. Collection method: clinical testing. Allele origin: germline.
Comment: The p.R864W variant (also known as c.2590C>T), located in coding exon 15 of the EPHB4 gene, results from a C to T substitution at nucleotide position 2590. The arginine at codon 864 is replaced by tryptophan, an amino acid with dissimilar properties. This variant has been reported in a vascular malformations cohort and has been reported in a subject with telangiectasias (Amyere M et al. Circulation, 2017 Sep;136:1037-1048; Guilhem A et al. J Med Genet, 2023 Sep;60:905-909). This amino acid position is highly conserved in available vertebrate species. In addition, this alteration is predicted to be deleterious by in silico analysis. Based on the available evidence, the clinical significance of this variant remains unclear.

GeneDx
Classification: Likely pathogenic. Last evaluated: 2023-08-29. Review status: criteria provided, single submitter. Criteria: GeneDx Variant Classification Process June 2021. Collection method: clinical testing. Allele origin: germline. Affected: yes.
Comment: Identified in two unrelated families with capillary malformations, however further detailed clinical and segregation information was not provided (Amyere et al., 2017); Published functional studies indicate that the p.(R864W) variant leads to a loss of protein function (Amyere et al., 2017); In silico analysis supports that this missense variant has a deleterious effect on protein structure/function; Not observed at significant frequency in large population cohorts (gnomAD); This variant is associated with the following publications: (PMID: 30819650, 28687708)

ARUP Laboratories, Molecular Genetics and Genomics, ARUP Laboratories
Classification: Likely pathogenic. Last evaluated: 2019-04-18. Review status: criteria provided, single submitter. Criteria: ARUP Molecular Germline Variant Investigation Process. Collection method: clinical testing. Allele origin: germline.
Comment: The EPHB4 c.2590C>T; p.Arg864Trp variant (rs769965440) is reported in the literature in at least three individuals affected with capillary malformations (Amyere 2017). This variant is absent from general population databases (Exome Variant Server, Genome Aggregation Database), indicating it is not a common polymorphism. The arginine at codon 864 is highly conserved, it occurs in the EPHB4 kinase domain (Amyere 2017), and computational analyses (SIFT, PolyPhen-2) predict that this variant is deleterious. Consistent with this, expression in cultured cells suggests the p.Arg864Trp variant is mislocalized and rapidly degraded (Amyere 2017). Based on available information, this variant is considered to be likely pathogenic. References: Amyere M et al. Germline Loss-of-Function Mutations in EPHB4 Cause a Second Form of Capillary Malformation-Arteriovenous Malformation (CM-AVM2) Deregulating RAS-MAPK Signaling.

SIB Swiss Institute of Bioinformatics
Classification: Pathogenic for Capillary malformation-arteriovenous malformation 2. Last evaluated: 2019-03-29. Review status: criteria provided, single submitter. Criteria: ACMG Guidelines, 2015. Collection method: curation. Allele origin: unknown.
Comment: This variant is interpreted as a Pathogenic for Capillary malformation-arteriovenous malformation 2. The following ACMG Tag(s) were applied: PM2: Absent from controls (or at extremely low frequency if recessive) in Exome Sequencing Project, 1000 Genomes Project, or Exome Aggregation Consortium. PM1: Located in a mutational hot spot and/or critical and well-established functional domain (e.g.,active site of an enzyme) without benign variation. PS3: Well-established functional studies show a deleterious effect. PP3: Multiple lines of computational evidence support a deleterious effect on the gene or gene product. PS4-Supporting: Recurrent variant.

Literature cited by the submitters: PubMed 28687708 (cited by 3 submitters); PubMed 38353959 (cited by Labcorp Genetics (formerly Invitae), Labcorp); PubMed 36813543 (cited by Ambry Genetics).